The following is an entry in ClinVar:

NM_003184.4(TAF2):c.3338-487C>T

Gene: TAF2 (TATA-box binding protein associated factor 2; minus strand). Cytogenetic location: 8q24.12.
Variant type: single nucleotide variant.
Coding change: c.3338-487C>T on transcript NM_003184.4 (MANE Select); 487 bases into the intron before coding-DNA position 3338, C replaced by T.
Molecular consequence: intron variant.
Genome position (GRCh38, 1-based): chr8:119,732,673, G>A on the plus strand (C>T on the coding strand, the complement: TAF2 is on the minus strand). VCF-style: chr8-119732673-G-A. GRCh37 (hg19) VCF-style: chr8-120744913-G-A.
Other names: c.3227-487C>T (NM_001437339.1); c.3383-487C>T (NM_001438084.1); c.3494-487C>T (NM_001437338.1).
Identifiers: ClinVar variation 4822488 (VCV004822488.4).

ClinVar aggregate classification (germline): Likely benign (1 of 4 stars; one submission).

gnomAD v4.1: 4 of 150,978 alleles (0.0026%); highest among the groups gnomAD compares: African/African-American, 0.0048%; no homozygotes.

Submission:

CeGaT Center for Human Genetics Tuebingen
Classification: Likely benign. Last evaluated: 2026-02-01. Review status: criteria provided, single submitter. Criteria: CeGaT Center For Human Genetics Tuebingen Variant Classification Criteria Version 2. Collection method: clinical testing. Allele origin: germline. Affected: yes. Observed: 1 variant allele.
Comment: TAF2: BP4, BP7